The following is an entry in ClinVar:

ClinVar aggregate classification (germline): Pathogenic (1 of 4 stars; one submission).

Conditions:
Intellectual disability, CASK-related, X-linked. Identifiers: MedGen CN043158.

Submission:

Labcorp Genetics (formerly Invitae), Labcorp
Classification: Pathogenic for Intellectual disability, CASK-related, X-linked. Last evaluated: 2022-08-23. Review status: criteria provided, single submitter. Criteria: Invitae Variant Classification Sherloc (09022015). Collection method: clinical testing. Allele origin: germline.
Comment: For these reasons, this variant has been classified as Pathogenic. ClinVar contains an entry for this variant (Variation ID: 1377857). This variant has not been reported in the literature in individuals affected with CASK-related conditions. This variant is not present in population databases (gnomAD no frequency). This sequence change creates a premature translational stop signal (p.Val11Metfs*8) in the CASK gene. It is expected to result in an absent or disrupted protein product. Loss-of-function variants in CASK are known to be pathogenic (PMID: 19165920, 20029458, 21954287, 22452838, 22709267).

Literature cited by the submitters: PubMed 19165920; PubMed 20029458; PubMed 21954287; PubMed 22452838; PubMed 22709267.

NM_001367721.1(CASK):c.29_30dup (p.Val11fs)

Gene: CASK (calcium/calmodulin dependent serine protein kinase; minus strand). Cytogenetic location: Xp11.4.
Variant type: Duplication.
Coding change: c.29_30dup on transcript NM_001367721.1 (MANE Select); coding-DNA positions 29 to 30, 2 bases duplicated (AT; older notation c.29_30dupAT).
Protein change: p.Val11fs; shifts the reading frame from valine 11.
Molecular consequence: frameshift variant.
Genome position (GRCh38, 1-based): chrX:41,922,959-41,922,960, AT duplicated on the plus strand (AT on the coding strand, the reverse complement: CASK is on the minus strand). VCF-style (leftmost placement, unchanged base first): chrX-41922958-C-CAT. GRCh37 (hg19) VCF-style: chrX-41782211-C-CAT.
Other names: c.29_30dup, p.Val11Metfs (NM_001126054.3, NM_001126055.3, NM_001410745.1 and 1 more transcripts); short protein forms V11fs.
Identifiers: ClinVar variation 1377857 (VCV001377857.6), dbSNP rs2148116120, ClinGen allele CA2573158870.